The following is an entry in ClinVar:

NM_003901.4(SGPL1):c.367T>C (p.Ser123Pro)

Gene: SGPL1 (sphingosine-1-phosphate lyase 1; plus strand). Cytogenetic location: 10q22.1.
Variant type: single nucleotide variant.
Coding change: c.367T>C on transcript NM_003901.4 (MANE Select); coding-DNA position 367, T replaced by C.
Protein change: p.Ser123Pro; replaces serine 123 with proline.
Molecular consequence: missense variant.
Genome position (GRCh38, 1-based): chr10:70,854,813, T>C. VCF-style: chr10-70854813-T-C. GRCh37 (hg19) VCF-style: chr10-72614570-T-C.
Other names: short protein forms S123P.
Identifiers: ClinVar variation 2827866 (VCV002827866.3), dbSNP rs2492759222, ClinGen allele CA377117992.

ClinVar aggregate classification (germline): Uncertain significance (1 of 4 stars; one submission).

Submission:

Labcorp Genetics (formerly Invitae), Labcorp
Classification: Uncertain significance. Last evaluated: 2023-03-14. Review status: criteria provided, single submitter. Criteria: Invitae Variant Classification Sherloc (09022015). Collection method: clinical testing. Allele origin: germline.
Comment: In summary, the available evidence is currently insufficient to determine the role of this variant in disease. Therefore, it has been classified as a Variant of Uncertain Significance. Advanced modeling of protein sequence and biophysical properties (such as structural, functional, and spatial information, amino acid conservation, physicochemical variation, residue mobility, and thermodynamic stability) performed at Invitae indicates that this missense variant is not expected to disrupt SGPL1 protein function. This sequence change replaces serine, which is neutral and polar, with proline, which is neutral and non-polar, at codon 123 of the SGPL1 protein (p.Ser123Pro). This variant is not present in population databases (gnomAD no frequency). This variant has not been reported in the literature in individuals affected with SGPL1-related conditions.